The following is an entry in ClinVar:

ClinVar aggregate classification (germline): Uncertain significance (1 of 4 stars; one submission).

Conditions:
Immunodeficiency 67. Also called: Immunodeficiency due to interleukin-1 receptor-associated kinase-4 deficiency. Identifiers: Orphanet 70592, MedGen C1843256, MONDO:0011888, OMIM 607676.

Allele frequency attached by ClinVar (database versions not stated): gnomAD exomes below 0.00001.
gnomAD v4.1: 1 of 1,613,170 alleles (0.000062%); highest among the groups gnomAD compares: African/African-American, 0.0013%; no homozygotes.

Submission:

Baylor Genetics
Classification: Uncertain significance for Immunodeficiency 67. Last evaluated: 2018-02-06. Review status: criteria provided, single submitter. Criteria: ACMG Guidelines, 2015. Collection method: clinical testing. Allele origin: unknown. Affected: yes.
Comment: This variant was determined to be of uncertain significance according to ACMG Guidelines, 2015 [PMID:25741868].

NM_016123.4(IRAK4):c.6C>G (p.Asn2Lys)

Gene: IRAK4 (interleukin 1 receptor associated kinase 4; plus strand). Cytogenetic location: 12q12.
Variant type: single nucleotide variant.
Coding change: c.6C>G on transcript NM_016123.4 (MANE Select); coding-DNA position 6, C replaced by G.
Protein change: p.Asn2Lys; replaces asparagine 2 with lysine.
Molecular consequence: missense variant. On other transcripts: 5 prime UTR variant (8), intron variant (2).
Genome position (GRCh38, 1-based): chr12:43,768,117, C>G. VCF-style: chr12-43768117-C-G. GRCh37 (hg19) VCF-style: chr12-44161920-C-G.
Other names: c.6C>G, p.Asn2Lys (NM_001114182.3, NM_001351345.2); c.-221C>G (NM_001145256.2, NM_001145257.2, NM_001351338.2); c.-434C>G (NM_001351339.2, NM_001351340.2, NM_001351341.2); c.-372C>G (NM_001351343.2, NM_001351344.2); c.-278-2921C>G (NM_001351342.2); c.-65-4063C>G (NM_001145258.2); short protein forms N2K.
Identifiers: ClinVar variation 1033805 (VCV001033805.1), dbSNP rs1940358839, ClinGen allele CA384464341.